The following is an entry in ClinVar:

ClinVar aggregate classification (germline): Uncertain significance (1 of 4 stars; one submission).

Conditions:
Hereditary cancer-predisposing syndrome. Also called: Hereditary Cancer Syndrome; Tumor predisposition; Hereditary neoplastic syndrome; Neoplastic Syndromes, Hereditary. Identifiers: Orphanet 140162, MedGen C0027672, MeSH D009386, MONDO:0015356.

Submission:

Labcorp Genetics (formerly Invitae), Labcorp
Classification: Uncertain significance for Hereditary cancer-predisposing syndrome. Last evaluated: 2020-11-21. Review status: criteria provided, single submitter. Criteria: Invitae Variant Classification Sherloc (09022015). Collection method: clinical testing. Allele origin: germline.
Comment: This variant is not present in population databases (ExAC no frequency). In summary, the available evidence is currently insufficient to determine the role of this variant in disease. Therefore, it has been classified as a Variant of Uncertain Significance. This variant has not been reported in the literature in individuals with RAD50-related conditions. This sequence change creates a premature translational stop signal (p.Glu1284Aspfs*16) in the RAD50 gene. While this is not anticipated to result in nonsense mediated decay, it is expected to disrupt the last 29 amino acid(s) of the RAD50 protein.

NM_005732.4(RAD50):c.3852_3855del (p.Glu1284fs)

Genes: TH2LCRR (T helper type 2 locus control region associated RNA; minus strand), RAD50 (RAD50 double strand break repair protein; plus strand). Cytogenetic location: 5q31.1.
Variant type: Deletion.
Coding change: c.3852_3855del on transcript NM_005732.4 (MANE Select); coding-DNA positions 3852 to 3855, 4 bases deleted (GAAA; older notation c.3852_3855delGAAA).
Protein change: p.Glu1284fs; shifts the reading frame from glutamic acid 1284.
Molecular consequence: frameshift variant. On other transcripts: non-coding transcript variant (1).
Genome position (GRCh38, 1-based): chr5:132,642,277-132,642,280, GAAA deleted; deleting any 4 consecutive bases within chr5:132,642,276-132,642,280 gives the same sequence; the c. name uses the placement nearest the transcript's 3' end. VCF-style (leftmost placement, unchanged base first): chr5-132642275-GAGAA-G. GRCh37 (hg19) VCF-style: chr5-131977967-GAGAA-G.
Other names: short protein forms E1284fs.
Identifiers: ClinVar variation 1413977 (VCV001413977.8), dbSNP rs2149866975, ClinGen allele CA2573139105.
Genomic context (GRCh38, chr5:132,642,275, plus strand): 5'-CTTCTGGTAATCACTCATGATGAAGATTTTGTGGAGCTTTTAGGACGTTCTGAATATGTG[GAGAA>G]ATTCTACAGGATTAAAAAGAACATCGATCAGTGCTCAGAGATTGTGAAATGCAGTGTTAG-3'